The following is an entry in ClinVar:

ClinVar aggregate classification (germline): Pathogenic (1 of 4 stars; one submission).

Conditions:
Marinesco-Sjögren syndrome (MSS). Also called: Marinesco-SjÃ¶gren syndrome; Marinesco-Sjogren Syndrome. Identifiers: Orphanet 559, MedGen C0024814, MONDO:0009567, OMIM 248800.

Submission:

Labcorp Genetics (formerly Invitae), Labcorp
Classification: Pathogenic for Marinesco-Sjögren syndrome. Last evaluated: 2023-03-04. Review status: criteria provided, single submitter. Criteria: Invitae Variant Classification Sherloc (09022015). Collection method: clinical testing. Allele origin: germline.
Comment: This sequence change creates a premature translational stop signal (p.Gln229Profs*123) in the SIL1 gene. While this is not anticipated to result in nonsense mediated decay, it is expected to disrupt the last 233 amino acid(s) of the SIL1 protein. This variant is not present in population databases (gnomAD no frequency). This variant has not been reported in the literature in individuals affected with SIL1-related conditions. This variant disrupts a region of the SIL1 protein in which other variant(s) (p.Gln414*) have been determined to be pathogenic (PMID: 19471582). This suggests that this is a clinically significant region of the protein, and that variants that disrupt it are likely to be disease-causing. For these reasons, this variant has been classified as Pathogenic.

Literature cited by the submitters: PubMed 19471582.

NM_022464.5(SIL1):c.685dup (p.Gln229fs)

Gene: SIL1 (SIL1 nucleotide exchange factor; minus strand). Cytogenetic location: 5q31.2.
Variant type: Duplication.
Coding change: c.685dup on transcript NM_022464.5 (MANE Select); coding-DNA position 685, one base duplicated (C; older notation c.685dupC).
Protein change: p.Gln229fs; shifts the reading frame from glutamine 229.
Molecular consequence: frameshift variant.
Genome position (GRCh38, 1-based): chr5:139,021,253, G duplicated on the plus strand (C on the coding strand, the reverse complement: SIL1 is on the minus strand). VCF-style (leftmost placement, unchanged base first): chr5-139021252-T-TG. GRCh37 (hg19) VCF-style: chr5-138356941-T-TG.
Other names: c.685dup, p.Gln229fs (NM_001037633.2); short protein forms Q229fs.
Identifiers: ClinVar variation 2814077 (VCV002814077.3), dbSNP rs2546340450, ClinGen allele CA2739275115.